The following is an entry in ClinVar:

ClinVar aggregate classification (germline): Benign/Likely benign. Review status: criteria provided, multiple submitters, no conflicts (2 of 4 stars). 7 submissions from 7 submitters: Benign (5); Likely benign (2). Last evaluated 2026-02-02.

Allele frequency attached by ClinVar (database versions not stated): gnomAD exomes 0.01692; 1000 Genomes Project 30x 0.08854.
gnomAD v4.1: 31,831 of 1,570,210 alleles (2%); highest among the groups gnomAD compares: East Asian, 22%; 1,536 homozygotes.

Submissions (7):

Labcorp Genetics (formerly Invitae), Labcorp
Classification: Likely benign. Last evaluated: 2026-02-02. Review status: criteria provided, single submitter. Criteria: Invitae Variant Classification Sherloc (09022015). Collection method: clinical testing. Allele origin: germline.

Blueprint Genetics
Classification: Benign. Last evaluated: 2024-11-27. Review status: criteria provided, single submitter. Criteria: ACMG Guidelines, 2015. Collection method: clinical testing. Allele origin: germline.

Mayo Clinic Laboratories, Mayo Clinic
Classification: Benign. Last evaluated: 2022-08-09. Review status: criteria provided, single submitter. Criteria: ACMG Guidelines, 2015. Collection method: clinical testing. Allele origin: germline. Observed: 20 variant alleles.
Comment: BA1

Eurofins Ntd Llc (ga)
Classification: Benign. Last evaluated: 2017-06-07. Review status: criteria provided, single submitter. Criteria: EGL Classification Definitions 2015. Collection method: clinical testing. Allele origin: germline. Observed: 5 variant alleles, 5 heterozygotes.

GeneDx
Classification: Benign. Last evaluated: 2014-03-19. Review status: criteria provided, single submitter. Criteria: GeneDx Variant Classification (06012015). Collection method: clinical testing. Allele origin: germline. Affected: yes.
Comment: This variant is considered likely benign or benign based on one or more of the following criteria: it is a conservative change, it occurs at a poorly conserved position in the protein, it is predicted to be benign by multiple in silico algorithms, and/or has population frequency not consistent with disease.

Genetic Services Laboratory, University of Chicago
Classification: Benign. Last evaluated: 2013-02-08. Review status: criteria provided, single submitter. Criteria: ACMG Guidelines, 2007. Collection method: clinical testing. Allele origin: germline. Inheritance: Autosomal dominant inheritance.

Breakthrough Genomics
Classification: Likely benign. Review status: criteria provided, single submitter. Criteria: ACMG Guidelines, 2015. Collection method: not provided. Allele origin: germline. Inheritance: Autosomal dominant inheritance. Affected: yes.

NM_178012.5(TUBB2B):c.564G>T (p.Ser188=)

Gene: TUBB2B (tubulin beta 2B class IIb; minus strand). Cytogenetic location: 6p25.2.
Variant type: single nucleotide variant.
Coding change: c.564G>T on transcript NM_178012.5 (MANE Select); coding-DNA position 564, G replaced by T.
Protein change: p.Ser188=; no amino-acid change (serine 188 retained).
Molecular consequence: synonymous variant.
Genome position (GRCh38, 1-based): chr6:3,225,525, C>A on the plus strand (G>T on the coding strand, the complement: TUBB2B is on the minus strand). VCF-style: chr6-3225525-C-A. GRCh37 (hg19) VCF-style: chr6-3225759-C-A.
Other names: p.S188S:TCG>TCT; p.Ser188=.
Identifiers: ClinVar variation 137854 (VCV000137854.21), dbSNP rs2259136, ClinGen allele CA173779.